The following is an entry in ClinVar:

ClinVar aggregate classification (germline): Uncertain significance (1 of 4 stars; one submission).

Conditions:
Hereditary cancer-predisposing syndrome. Also called: Neoplastic Syndromes, Hereditary; Tumor predisposition; Hereditary Cancer Syndrome; Hereditary neoplastic syndrome. Identifiers: Orphanet 140162, MedGen C0027672, MeSH D009386, MONDO:0015356.

Submission:

Ambry Genetics
Classification: Uncertain significance for Hereditary cancer-predisposing syndrome. Last evaluated: 2026-03-17. Review status: criteria provided, single submitter. Criteria: Ambry Variant Classification Scheme 2023. Collection method: clinical testing. Allele origin: germline.
Comment: The c.3165_3172delCTCAAATC variant, located in coding exon 19 of the BRIP1 gene, results from a deletion of 8 nucleotides at nucleotide positions 3165 to 3172, causing a translational frameshift with a predicted alternate stop codon (p.S1056Dfs*22). This variant occurs at the 3' terminus of the gene, is not expected to trigger nonsense-mediated mRNAdecay, and impacts the last 15% of the protein. The exact functional effect of this variant is unknown. Based on the available evidence, the clinical significance of this variant remains unclear.

NM_032043.3(BRIP1):c.3165_3172del (p.Ser1056fs)

Gene: BRIP1 (BRCA1 interacting DNA helicase 1; minus strand). Cytogenetic location: 17q23.2.
Variant type: Deletion.
Coding change: c.3165_3172del on transcript NM_032043.3 (MANE Select); coding-DNA positions 3165 to 3172, 8 bases deleted (CTCAAATC; older notation c.3165_3172delCTCAAATC).
Protein change: p.Ser1056fs; shifts the reading frame from serine 1056.
Molecular consequence: frameshift variant.
Genome position (GRCh38, 1-based): chr17:61,683,874-61,683,881, GATTTGAG deleted on the plus strand (CTCAAATC on the coding strand, the reverse complement: BRIP1 is on the minus strand); deleting any 8 consecutive bases within chr17:61,683,874-61,683,885 gives the same sequence; the c. name uses the placement nearest the transcript's 3' end. VCF-style (leftmost placement, unchanged base first): chr17-61683873-AGATTTGAG-A. GRCh37 (hg19) VCF-style: chr17-59761234-AGATTTGAG-A.
Other names: c.3165_3172delCTCAAATC (NM_032043.2); short protein forms S1056fs.
Identifiers: ClinVar variation 4867899 (VCV004867899.1).